The following is an entry in ClinVar:

NM_006885.4(ZFHX3):c.7240G>A (p.Glu2414Lys)

Genes: ZFHX3 (zinc finger homeobox 3; minus strand), ZFHX3-AS1 (ZFHX3 antisense RNA 1; plus strand). Cytogenetic location: 16q22.2.
Variant type: single nucleotide variant.
Coding change: c.7240G>A on transcript NM_006885.4 (MANE Select); coding-DNA position 7240, G replaced by A.
Protein change: p.Glu2414Lys; replaces glutamic acid 2414 with lysine.
Molecular consequence: missense variant.
Genome position (GRCh38, 1-based): chr16:72,795,442, C>T on the plus strand (G>A on the coding strand, the complement: ZFHX3 is on the minus strand). VCF-style: chr16-72795442-C-T. GRCh37 (hg19) VCF-style: chr16-72829341-C-T.
Other names: c.4498G>A, p.Glu1500Lys (NM_001164766.2); c.7240G>A, p.Glu2414Lys (NM_001386735.1); short protein forms E1500K, E2414K.
Identifiers: ClinVar variation 4686177 (VCV004686177.1).

ClinVar aggregate classification (germline): Uncertain significance (1 of 4 stars; one submission).

Submission:

GeneDx
Classification: Uncertain significance. Last evaluated: 2025-07-17. Review status: criteria provided, single submitter. Criteria: GeneDx Variant Classification Process June 2021. Collection method: clinical testing. Allele origin: germline. Affected: yes.
Comment: Not observed at significant frequency in large population cohorts (gnomAD); In silico analysis suggests that this missense variant does not alter protein structure/function; Has not been previously published as pathogenic or benign to our knowledge